The following is an entry in ClinVar:

ClinVar aggregate classification (germline): Benign/Likely benign. Review status: criteria provided, multiple submitters, no conflicts (2 of 4 stars). 4 submissions from 4 submitters: Benign (3); Likely benign (1). Last evaluated 2026-02-02.

Conditions:
PLA2G6-associated neurodegeneration (PLAN). Also called: phospholipase A2-associated neurodegeneration. Identifiers: Orphanet 329303, MedGen CN204472, MONDO:0017998.
Infantile neuroaxonal dystrophy (NBIA2A). Also called: SEITELBERGER DISEASE; Infantile neuroaxonal dystrophy 1; NEURODEGENERATION WITH BRAIN IRON ACCUMULATION 2A. Identifiers: Orphanet 35069, MedGen C0270724, MONDO:0024457, OMIM 256600.

Allele frequency attached by ClinVar (database versions not stated): ExAC 0.00575; gnomAD 0.00009 and 0.00124; TOPMed 0.00031; 1000 Genomes Project 30x 0.01093; gnomAD exomes 0.00499; 1000 Genomes Project 0.01138.
gnomAD v4.1: 3,622 of 1,613,280 alleles (0.22%); highest among the groups gnomAD compares: South Asian, 3.7%; 126 homozygotes.

Submissions (4):

Labcorp Genetics (formerly Invitae), Labcorp
Classification: Benign for Infantile neuroaxonal dystrophy. Last evaluated: 2026-02-02. Review status: criteria provided, single submitter. Criteria: Invitae Variant Classification Sherloc (09022015). Collection method: clinical testing. Allele origin: germline.

GeneDx
Classification: Likely benign. Last evaluated: 2019-02-09. Review status: criteria provided, single submitter. Criteria: GeneDx Variant Classification Process June 2021. Collection method: clinical testing. Allele origin: germline. Affected: yes.

Illumina Laboratory Services, Illumina
Classification: Benign for PLA2G6-associated neurodegeneration. Last evaluated: 2018-01-12. Review status: criteria provided, single submitter. Criteria: ICSL Variant Classification Criteria 13 December 2019. Collection method: clinical testing. Allele origin: germline.
Comment: This variant was observed in the ICSL laboratory as part of a predisposition screen in an ostensibly healthy population. It had not been previously curated by ICSL or reported in the Human Gene Mutation Database (HGMD: prior to June 1st, 2018), and was therefore a candidate for classification through an automated scoring system. Utilizing variant allele frequency, disease prevalence and penetrance estimates, and inheritance mode, an automated score was calculated to assess if this variant is too frequent to cause the disease. Based on the score and internal cut-off values, a variant classified as benign is not then subjected to further curation. The score for this variant resulted in a classification of benign for this disease.

Genetic Services Laboratory, University of Chicago
Classification: Benign. Last evaluated: 2013-02-08. Review status: criteria provided, single submitter. Criteria: ACMG Guidelines, 2007. Collection method: clinical testing. Allele origin: germline. Inheritance: Autosomal recessive inheritance.

NM_003560.4(PLA2G6):c.1742+12C>T

Gene: PLA2G6 (phospholipase A2 group VI; minus strand). Cytogenetic location: 22q13.1.
Variant type: single nucleotide variant.
Coding change: c.1742+12C>T on transcript NM_003560.4 (MANE Select); 12 bases into the intron after coding-DNA position 1742, C replaced by T.
Molecular consequence: intron variant.
Genome position (GRCh38, 1-based): chr22:38,120,747, G>A on the plus strand (C>T on the coding strand, the complement: PLA2G6 is on the minus strand). VCF-style: chr22-38120747-G-A. GRCh37 (hg19) VCF-style: chr22-38516754-G-A.
Other names: c.1064+12C>T (NM_001349868.2); c.1580+12C>T (NM_001349866.2, NM_001199562.3, NM_001349865.2 and 1 more transcripts); c.1046+12C>T (NM_001349869.2); c.1208+12C>T (NM_001349867.2); c.1742+12C>T (NM_001349864.2).
Identifiers: ClinVar variation 159746 (VCV000159746.21), dbSNP rs11570739, ClinGen allele CA173230.